The following is an entry in ClinVar:

ClinVar aggregate classification (germline): Conflicting classifications of pathogenicity. Review status: criteria provided, conflicting classifications (1 of 4 stars). 2 submissions from 2 submitters: Uncertain significance (1); Likely benign (1). Last evaluated 2026-04-27.

Conditions:
Hereditary cancer-predisposing syndrome. Also called: Neoplastic Syndromes, Hereditary; Tumor predisposition; Hereditary Cancer Syndrome; Hereditary neoplastic syndrome. Identifiers: Orphanet 140162, MedGen C0027672, MeSH D009386, MONDO:0015356.
Cardiovascular phenotype. Identifiers: MedGen CN230736.

Submissions (2):

Ambry Genetics
Classification: Likely benign for Cardiovascular phenotype; Hereditary cancer-predisposing syndrome. Last evaluated: 2026-04-27. Review status: criteria provided, single submitter. Criteria: Ambry Variant Classification Scheme 2023. Collection method: clinical testing. Allele origin: germline.

Women's Health and Genetics/Laboratory Corporation of America, LabCorp
Classification: Uncertain significance. Last evaluated: 2023-08-08. Review status: criteria provided, single submitter. Criteria: LabCorp Variant Classification Summary - May 2015. Collection method: clinical testing. Allele origin: germline.
Comment: Variant summary: NF1 c.6639A>G (p.Gln2213Gln) alters a non-conserved nucleotide located close to a canonical splice site and therefore could affect mRNA splicing, leading to a significantly altered protein sequence. 3/4 computational tools predict no significant impact on normal splicing, and 1/4 predict the variant weakens a canonical 5' splice donor site. However, these predictions have yet to be confirmed by functional studies. The variant was absent in 250870 control chromosomes (gnomAD). The available data on variant occurrences in the general population are insufficient to allow any conclusion about variant significance. To our knowledge, no occurrence of c.6639A>G in individuals affected with Neurofibromatosis Type 1 and no experimental evidence demonstrating its impact on protein function have been reported. No submitters have cited clinical-significance assessments for this variant to ClinVar after 2014. Based on the evidence outlined above, the variant was classified as uncertain significance.

NM_001042492.3(NF1):c.6702A>G (p.Gln2234=)

Gene: NF1 (neurofibromin 1; plus strand). Cytogenetic location: 17q11.2.
Variant type: single nucleotide variant.
Coding change: c.6702A>G on transcript NM_001042492.3 (MANE Select); coding-DNA position 6702, A replaced by G.
Protein change: p.Gln2234=; no amino-acid change (glutamine 2234 retained).
Molecular consequence: synonymous variant.
Genome position (GRCh38, 1-based): chr17:31,337,878, A>G. VCF-style: chr17-31337878-A-G. GRCh37 (hg19) VCF-style: chr17-29664896-A-G.
Other names: c.6639A>G, p.Gln2213= (NM_000267.4).
Identifiers: ClinVar variation 2581552 (VCV002581552.2), dbSNP rs2151557556, ClinGen allele CA499234241.